The following is an entry in ClinVar:

ClinVar aggregate classification (germline): Conflicting classifications of pathogenicity. Review status: criteria provided, conflicting classifications (1 of 4 stars). 3 submissions from 2 submitters: Uncertain significance (1); Likely benign (2). Last evaluated 2025-10-22.

Conditions:
MYH9-related disorder. Identifiers: MedGen C1854520.
Autosomal dominant nonsyndromic hearing loss 17. Also called: Autosomal dominant nonsyndromic deafness 17; Deafness, autosomal dominant 17. Identifiers: Orphanet 90635, MedGen C1863659, MONDO:0011350, OMIM 603622.

Allele frequency attached by ClinVar (database versions not stated): gnomAD 0.00003; ExAC 0.00007; TOPMed 0.00007; gnomAD exomes 0.00009.
gnomAD v4.1: 149 of 1,612,520 alleles (0.0092%); highest among the groups gnomAD compares: Admixed American, 0.02%; no homozygotes.

Submissions (3):

Labcorp Genetics (formerly Invitae), Labcorp
Classification: Likely benign. Last evaluated: 2025-10-22. Review status: criteria provided, single submitter. Criteria: Invitae Variant Classification Sherloc (09022015). Collection method: clinical testing. Allele origin: germline.

Illumina Laboratory Services, Illumina
Classification: Uncertain significance for Autosomal dominant nonsyndromic hearing loss 17. Last evaluated: 2018-01-13. Review status: criteria provided, single submitter. Criteria: ICSL Variant Classification Criteria 13 December 2019. Collection method: clinical testing. Allele origin: germline.

Illumina Laboratory Services, Illumina
Classification: Likely benign for MYH9-related disorder. Last evaluated: 2018-01-13. Review status: criteria provided, single submitter. Criteria: ICSL Variant Classification Criteria 13 December 2019. Collection method: clinical testing. Allele origin: germline.
Comment: This variant was observed in the ICSL laboratory as part of a predisposition screen in an ostensibly healthy population. It had not been previously curated by ICSL or reported in the Human Gene Mutation Database (HGMD: prior to June 1st, 2018), and was therefore a candidate for classification through an automated scoring system. Utilizing variant allele frequency, disease prevalence and penetrance estimates, and inheritance mode, an automated score was calculated to assess if this variant is too frequent to cause the disease. Based on the score and internal cut-off values, a variant classified as likely benign is not then subjected to further curation. The score for this variant resulted in a classification of likely benign for this disease.

NM_002473.6(MYH9):c.1729-5G>A

Gene: MYH9 (myosin heavy chain 9; minus strand). Cytogenetic location: 22q12.3.
Variant type: single nucleotide variant.
Coding change: c.1729-5G>A on transcript NM_002473.6 (MANE Select); 5 bases into the intron before coding-DNA position 1729, G replaced by A.
Molecular consequence: intron variant.
Genome position (GRCh38, 1-based): chr22:36,309,401, C>T on the plus strand (G>A on the coding strand, the complement: MYH9 is on the minus strand). VCF-style: chr22-36309401-C-T. GRCh37 (hg19) VCF-style: chr22-36705446-C-T.
Identifiers: ClinVar variation 901425 (VCV000901425.11), dbSNP rs770021950, ClinGen allele CA10210206.